The following is an entry in ClinVar:

ClinVar aggregate classification (germline): Likely benign. Review status: criteria provided, multiple submitters, no conflicts (2 of 4 stars). 3 submissions from 3 submitters: Likely benign (3). Last evaluated 2026-03-01.

Allele frequency attached by ClinVar (database versions not stated): gnomAD 0.00019; TOPMed 0.00022; ESP Exome Variant Server 0.00023.
gnomAD v4.1: 601 of 1,613,698 alleles (0.037%); highest among the groups gnomAD compares: Non-Finnish European, 0.049%; no homozygotes.

Submissions (3):

CeGaT Center for Human Genetics Tuebingen
Classification: Likely benign. Last evaluated: 2026-03-01. Review status: criteria provided, single submitter. Criteria: CeGaT Center For Human Genetics Tuebingen Variant Classification Criteria Version 2. Collection method: clinical testing. Allele origin: germline. Affected: yes. Observed: 3 variant alleles.
Comment: CIT: BP4, BP7

Labcorp Genetics (formerly Invitae), Labcorp
Classification: Likely benign. Last evaluated: 2022-08-01. Review status: criteria provided, single submitter. Criteria: Invitae Variant Classification Sherloc (09022015). Collection method: clinical testing. Allele origin: germline.

GeneDx
Classification: Likely benign. Last evaluated: 2021-05-20. Review status: criteria provided, single submitter. Criteria: GeneDx Variant Classification Process June 2021. Collection method: clinical testing. Allele origin: germline. Affected: yes.

NM_001206999.2(CIT):c.3192G>T (p.Leu1064=)

Gene: CIT (citron rho-interacting serine/threonine kinase; minus strand). Cytogenetic location: 12q24.23.
Variant type: single nucleotide variant.
Coding change: c.3192G>T on transcript NM_001206999.2 (MANE Select); coding-DNA position 3192, G replaced by T.
Protein change: p.Leu1064=; no amino-acid change (leucine 1064 retained).
Molecular consequence: synonymous variant.
Genome position (GRCh38, 1-based): chr12:119,734,322, C>A on the plus strand (G>T on the coding strand, the complement: CIT is on the minus strand). VCF-style: chr12-119734322-C-A. GRCh37 (hg19) VCF-style: chr12-120172127-C-A.
Other names: c.3066G>T, p.Leu1022= (NM_007174.3).
Identifiers: ClinVar variation 1213006 (VCV001213006.35), dbSNP rs200314282, ClinGen allele CA6821567.